The following is an entry in ClinVar:

NM_000214.3(JAG1):c.2312A>G (p.Lys771Arg)

Gene: JAG1 (jagged canonical Notch ligand 1; minus strand). Cytogenetic location: 20p12.2.
Variant type: single nucleotide variant.
Coding change: c.2312A>G on transcript NM_000214.3 (MANE Select); coding-DNA position 2312, A replaced by G.
Protein change: p.Lys771Arg; replaces lysine 771 with arginine.
Molecular consequence: missense variant.
Genome position (GRCh38, 1-based): chr20:10,644,895, T>C on the plus strand (A>G on the coding strand, the complement: JAG1 is on the minus strand). VCF-style: chr20-10644895-T-C. GRCh37 (hg19) VCF-style: chr20-10625543-T-C.
Other names: c.2312A>G, p.Lys771Arg (LRG_1191t1); short protein forms K771R.
Identifiers: ClinVar variation 234698 (VCV000234698.15), dbSNP rs149949294, ClinGen allele CA9764558.
Genomic context (GRCh38, chr20:10,644,895, plus strand): 5'-GGAGAGTTCAAGGGGGGAGGACACTCACTCTGAGCACAGATGGGCCCCTCCCAGCCTTCC[T>C]TGCAGACGCACGTAAAGGACTCGCCGTTGACCACACATGTGCCCCCATTATGGCAGGGGT-3'
Protein context (NP_000205.1, residues 761-781): VNGESFTCVC[Lys771Arg]EGWEGPICAQ

ClinVar aggregate classification (germline): Conflicting classifications of pathogenicity. Review status: criteria provided, conflicting classifications (1 of 4 stars). 4 submissions from 4 submitters: Uncertain significance (3); Likely benign (1). Last evaluated 2026-03-05.

Conditions:
JAG1-related disorder. Also called: JAG1-related condition; JAG1-related disorders.
Tetralogy of Fallot (TOF). Identifiers: Orphanet 3303, MedGen C0039685, MONDO:0008542, OMIM 187500, HP:0001636.
Deafness, congenital heart defects, and posterior embryotoxon (DCHE). Identifiers: MedGen C1866053, MONDO:0060713, OMIM 617992.
Alagille syndrome due to a JAG1 point mutation. Also called: JAG1-Related Alagille Syndrome; HEPATIC DUCTULAR HYPOPLASIA, SYNDROMATIC; Alagille Syndrome 1. Identifiers: Orphanet 261619, Orphanet 52, MedGen C1956125, MONDO:0016862, OMIM 118450.
Charcot-Marie-Tooth disease, axonal, Type 2HH. Also called: CHARCOT-MARIE-TOOTH NEUROPATHY, TYPE 2HH. Identifiers: MedGen C5562003, MONDO:0030458, OMIM 619574.

Allele frequency attached by ClinVar (database versions not stated): gnomAD exomes 0.00002 and 0.00001; gnomAD 0.00004; ESP Exome Variant Server 0.00008; TOPMed 0.00008; ExAC 0.00002.

Submissions (4):

PreventionGenetics, part of Exact Sciences
Classification: Uncertain significance for JAG1-related condition. Last evaluated: 2026-03-05. Review status: criteria provided, single submitter. Criteria: ACMG Guidelines, 2015. Collection method: clinical testing. Allele origin: germline.
Comment: The JAG1 c.2312A>G variant is predicted to result in the amino acid substitution p.Lys771Arg. This variant has been reported as a variant of uncertain significance in an individual with a retinal and/or optical nerve disorder (Table S12. Diñeiro et al. 2020. PubMed ID: 32483926). This variant is reported in 0.0058% of alleles in individuals of Latino descent in gnomAD. At this time, the clinical significance of this variant is uncertain due to the absence of conclusive functional and genetic evidence.

Labcorp Genetics (formerly Invitae), Labcorp
Classification: Likely benign for Alagille syndrome due to a JAG1 point mutation. Last evaluated: 2025-10-19. Review status: criteria provided, single submitter. Criteria: Invitae Variant Classification Sherloc (09022015). Collection method: clinical testing. Allele origin: germline.

Fulgent Genetics
Classification: Uncertain significance for Alagille syndrome due to a JAG1 point mutation; Tetralogy of Fallot; Deafness, congenital heart defects, and posterior embryotoxon; Charcot-Marie-Tooth disease, axonal, Type 2HH. Last evaluated: 2024-06-11. Review status: criteria provided, single submitter. Criteria: ACMG Guidelines, 2015. Collection method: clinical testing. Allele origin: germline.

GeneDx
Classification: Uncertain significance. Last evaluated: 2015-12-23. Review status: criteria provided, single submitter. Criteria: GeneDx Variant Classification (06012015). Collection method: clinical testing. Allele origin: germline. Affected: yes.
Comment: The K771R variant in the JAG1 gene has not been reported previously as a pathogenic variant, nor as a benign variant, to our knowledge. The K771R variant was not observed at any significant frequency in approximately 6500 individuals of European and African American ancestry in the NHLBI Exome Sequencing Project, indicating it is not a common benign variant in these populations. The K771R variant is a conservative amino acid substitution, which occurs in the 14th EGF-like domain and the extracellular domain at a position that is conserved across species. In silico analysis is inconsistent in its predictions as to whether or not the variant is damaging to the protein structure/function. We interpret K771R as a variant of uncertain significance.